The following is an entry in ClinVar:

NM_153676.4(USH1C):c.1037C>A (p.Ala346Asp)

Gene: USH1C (USH1 protein network component harmonin; minus strand). Cytogenetic location: 11p15.1.
Variant type: single nucleotide variant.
Coding change: c.1037C>A on transcript NM_153676.4 (MANE Select); coding-DNA position 1037, C replaced by A.
Protein change: p.Ala346Asp; replaces alanine 346 with aspartic acid.
Molecular consequence: missense variant. On other transcripts: non-coding transcript variant (1).
Genome position (GRCh38, 1-based): chr11:17,521,394, G>T on the plus strand (C>A on the coding strand, the complement: USH1C is on the minus strand). VCF-style: chr11-17521394-G-T. GRCh37 (hg19) VCF-style: chr11-17542941-G-T.
Other names: c.980C>A, p.Ala327Asp (NM_001297764.2); c.1037C>A, p.Ala346Asp (NM_005709.4); short protein forms A327D, A346D.
Identifiers: ClinVar variation 1383506 (VCV001383506.3), dbSNP rs774753537, ClinGen allele CA5904740.
Genomic context (GRCh38, chr11:17,521,394, plus strand): 5'-CGAGGTACTCACTGTTCCATCTCCTTCCGGTATCTCTCATTTTCCTCTGCTGCCTTCTGG[G>T]CAATTTCTTTTCTCCTTCTGAAACACAAATGCAGATTGGCATGTTTGGCCCTATGCAAGA-3'
Protein context (NP_710142.1, residues 336-356): EMERQRRKEI[Ala346Asp]QKAAEENERY

ClinVar aggregate classification (germline): Uncertain significance (1 of 4 stars; one submission).

Allele frequency attached by ClinVar (database versions not stated): gnomAD exomes below 0.00001; ExAC 0.00001; TOPMed 0.00001.
gnomAD v4.1: 3 of 1,614,092 alleles (0.00019%); highest among the groups gnomAD compares: Non-Finnish European, 0.000085%; no homozygotes.

Submission:

Labcorp Genetics (formerly Invitae), Labcorp
Classification: Uncertain significance. Last evaluated: 2022-02-24. Review status: criteria provided, single submitter. Criteria: Invitae Variant Classification Sherloc (09022015). Collection method: clinical testing. Allele origin: germline.
Comment: This sequence change replaces alanine, which is neutral and non-polar, with aspartic acid, which is acidic and polar, at codon 346 of the USH1C protein (p.Ala346Asp). This variant is present in population databases (rs774753537, gnomAD 0.0009%). This variant has not been reported in the literature in individuals affected with USH1C-related conditions. Algorithms developed to predict the effect of missense changes on protein structure and function (SIFT, PolyPhen-2, Align-GVGD) all suggest that this variant is likely to be tolerated. In summary, the available evidence is currently insufficient to determine the role of this variant in disease. Therefore, it has been classified as a Variant of Uncertain Significance.